The following is an entry in ClinVar:

ClinVar aggregate classification (germline): Uncertain significance (1 of 4 stars; one submission).

Submission:

Women's Health and Genetics/Laboratory Corporation of America, LabCorp
Classification: Uncertain significance. Last evaluated: 2024-05-01. Review status: criteria provided, single submitter. Criteria: LabCorp Variant Classification Summary - May 2015. Collection method: clinical testing. Allele origin: germline.
Comment: Variant summary: WNK4 c.812A>T (p.Glu271Val) results in a non-conservative amino acid change located in the protein kinase domain (IPR000719) of the encoded protein sequence. Three of five in-silico tools predict a benign effect of the variant on protein function. The variant was absent in 250174 control chromosomes. The available data on variant occurrences in the general population are insufficient to allow any conclusion about variant significance. To our knowledge, no occurrence of c.812A>T in individuals affected with Pseudohypoaldosteronism Type 2B and no experimental evidence demonstrating its impact on protein function have been reported. No submitters have cited clinical-significance assessments for this variant to ClinVar. Based on the evidence outlined above, the variant was classified as uncertain significance.

NM_032387.5(WNK4):c.812A>T (p.Glu271Val)

Genes: WNK4 (WNK lysine deficient protein kinase 4; plus strand), LOC126862568 (CDK7 strongly-dependent group 2 enhancer GRCh37_chr17:40934948-40936147; plus strand). Cytogenetic location: 17q21.2.
Variant type: single nucleotide variant.
Coding change: c.812A>T on transcript NM_032387.5 (MANE Select); coding-DNA position 812, A replaced by T.
Protein change: p.Glu271Val; replaces glutamic acid 271 with valine.
Molecular consequence: missense variant. On other transcripts: 5 prime UTR variant (1).
Genome position (GRCh38, 1-based): chr17:42,783,957, A>T. VCF-style: chr17-42783957-A-T. GRCh37 (hg19) VCF-style: chr17-40935975-A-T.
Other names: c.-108A>T (NM_001321299.2); short protein forms E271V.
Identifiers: ClinVar variation 3336278 (VCV003336278.1).